The following is an entry in ClinVar:

NM_001042492.3(NF1):c.5740A>T (p.Thr1914Ser)

Gene: NF1 (neurofibromin 1; plus strand). Cytogenetic location: 17q11.2.
Variant type: single nucleotide variant.
Coding change: c.5740A>T on transcript NM_001042492.3 (MANE Select); coding-DNA position 5740, A replaced by T.
Protein change: p.Thr1914Ser; replaces threonine 1914 with serine.
Molecular consequence: missense variant.
Genome position (GRCh38, 1-based): chr17:31,330,426, A>T. VCF-style: chr17-31330426-A-T. GRCh37 (hg19) VCF-style: chr17-29657444-A-T.
Other names: c.5677A>T, p.Thr1893Ser (NM_000267.4); short protein forms T1893S, T1914S.
Identifiers: ClinVar variation 4860911 (VCV004860911.1).

ClinVar aggregate classification (germline): Uncertain significance (1 of 4 stars; one submission).

Conditions:
Cardiovascular phenotype. Identifiers: MedGen CN230736.
Hereditary cancer-predisposing syndrome. Also called: Neoplastic Syndromes, Hereditary; Tumor predisposition; Hereditary Cancer Syndrome; Hereditary neoplastic syndrome. Identifiers: Orphanet 140162, MedGen C0027672, MeSH D009386, MONDO:0015356.

Submission:

Ambry Genetics
Classification: Uncertain significance for Cardiovascular phenotype; Hereditary cancer-predisposing syndrome. Last evaluated: 2026-04-21. Review status: criteria provided, single submitter. Criteria: Ambry Variant Classification Scheme 2023. Collection method: clinical testing. Allele origin: germline.
Comment: The p.T1893S variant (also known as c.5677A>T), located in coding exon 38 of the NF1 gene, results from an A to T substitution at nucleotide position 5677. The threonine at codon 1893 is replaced by serine, an amino acid with similar properties. This amino acid position is highly conserved in available vertebrate species. In addition, this alteration is predicted to be deleterious by in silico analysis. Based on the available evidence, the clinical significance of this variant remains unclear.